The following is an entry in ClinVar:

ClinVar aggregate classification (germline): Pathogenic/Likely pathogenic. Review status: criteria provided, multiple submitters, no conflicts (2 of 4 stars). 2 submissions from 2 submitters: Pathogenic (1); Likely pathogenic (1). Last evaluated 2023-12-04.

Conditions:
Endometrial carcinoma. Also called: Endometrial carcinoma, somatic. Identifiers: MedGen C0476089, MONDO:0002447, OMIM 608089, HP:0012114.
Hereditary nonpolyposis colorectal neoplasms. Identifiers: MedGen C0009405, MeSH D003123.

Submissions (2):

Labcorp Genetics (formerly Invitae), Labcorp
Classification: Pathogenic for Hereditary nonpolyposis colorectal neoplasms. Last evaluated: 2023-12-04. Review status: criteria provided, single submitter. Criteria: Invitae Variant Classification Sherloc (09022015). Collection method: clinical testing. Allele origin: germline.
Comment: This sequence change creates a premature translational stop signal (p.Thr1205Asnfs*10) in the MSH6 gene. It is expected to result in an absent or disrupted protein product. Loss-of-function variants in MSH6 are known to be pathogenic (PMID: 18269114, 24362816). This variant is not present in population databases (gnomAD no frequency). This variant has not been reported in the literature in individuals affected with MSH6-related conditions. For these reasons, this variant has been classified as Pathogenic.

Baylor Genetics
Classification: Likely pathogenic for Endometrial carcinoma. Last evaluated: 2023-10-31. Review status: criteria provided, single submitter. Criteria: ACMG Guidelines, 2015. Collection method: clinical testing. Allele origin: unknown.

Literature cited by the submitters: PubMed 18269114 (cited by Labcorp Genetics (formerly Invitae), Labcorp); PubMed 24362816 (cited by Labcorp Genetics (formerly Invitae), Labcorp).

NM_000179.3(MSH6):c.3611dup (p.Thr1205fs)

Gene: MSH6 (mutS homolog 6; plus strand). Cytogenetic location: 2p16.3.
Variant type: Duplication.
Coding change: c.3611dup on transcript NM_000179.3 (MANE Select); coding-DNA position 3611, one base duplicated (C; older notation c.3611dupC).
Protein change: p.Thr1205fs; shifts the reading frame from threonine 1205.
Molecular consequence: frameshift variant. On other transcripts: non-coding transcript variant (5).
Genome position (GRCh38, 1-based): chr2:47,805,672, C duplicated. VCF-style (leftmost placement, unchanged base first): chr2-47805671-G-GC. GRCh37 (hg19) VCF-style: chr2-48032810-G-GC.
Other names: c.458dup, p.Thr154fs (NM_001406832.1); c.1556dup, p.Thr520fs (NM_001407362.1); c.3314dup, p.Thr1106fs (NM_001406828.1, NM_001406830.1, NM_001406797.1 and 10 more transcripts); c.2705dup, p.Thr903fs (NM_001406829.1, NM_001281493.2, NM_001281494.2 and 6 more transcripts); c.392dup, p.Thr132fs (NM_001406831.1); c.3221dup, p.Thr1075fs (NM_001281492.2); c.3707dup, p.Thr1237fs (NM_001406795.1, NM_001406802.1); c.3611dup, p.Thr1205fs (NM_001406796.1, NM_001406800.1, NM_001406808.1 and 1 more transcripts); and 7 more; short protein forms T1030fs, T1075fs, T1106fs, T1147fs, T1149fs, T1179fs, T1205fs, T1207fs.
Identifiers: ClinVar variation 2676788 (VCV002676788.4), dbSNP rs2530824319, ClinGen allele CA2695200583.
Genomic context (GRCh38, chr2:47,805,671, plus strand): 5'-TTTTAAGGTGAAAGTACATTTTTTGTTGAATTAAGTGAAACTGCCAGCATACTCATGCAT[G>GC]CAACAGCACATTCTCTGGTGCTTGTGGATGAATTAGGTAAGACATTAAACTTCTCATTTG-3'